The following is an entry in ClinVar:

NM_015450.3(POT1):c.277A>G (p.Thr93Ala)

Gene: POT1 (protection of telomeres 1; minus strand). Cytogenetic location: 7q31.33.
Variant type: single nucleotide variant.
Coding change: c.277A>G on transcript NM_015450.3 (MANE Select); coding-DNA position 277, A replaced by G.
Protein change: p.Thr93Ala; replaces threonine 93 with alanine.
Molecular consequence: missense variant. On other transcripts: 5 prime UTR variant (1), non-coding transcript variant (3).
Genome position (GRCh38, 1-based): chr7:124,863,619, T>C on the plus strand (A>G on the coding strand, the complement: POT1 is on the minus strand). VCF-style: chr7-124863619-T-C. GRCh37 (hg19) VCF-style: chr7-124503673-T-C.
Other names: c.-117A>G (NM_001042594.2); c.277A>G (NM_015450.2); short protein forms T93A.
Identifiers: ClinVar variation 1998367 (VCV001998367.5), dbSNP rs2485481540, ClinGen allele CA369060462.

ClinVar aggregate classification (germline): Conflicting classifications of pathogenicity. Review status: criteria provided, conflicting classifications (1 of 4 stars). 2 submissions from 2 submitters: Uncertain significance (1); Likely benign (1). Last evaluated 2024-05-11.

Conditions:
Tumor predisposition syndrome 3 (TPDS3). Also called: Melanoma, cutaneous malignant, susceptibility to, 10; Glioma susceptibility 9; LONG TELOMERE SYNDROME, POT1-RELATED; POT1 Tumor Predisposition. Identifiers: Orphanet 618, MedGen C4014476, MONDO:0014368, OMIM 615848.
Hereditary cancer-predisposing syndrome. Also called: Neoplastic Syndromes, Hereditary; Tumor predisposition; Hereditary Cancer Syndrome; Hereditary neoplastic syndrome. Identifiers: Orphanet 140162, MedGen C0027672, MeSH D009386, MONDO:0015356.

Allele frequency attached by ClinVar (database versions not stated): gnomAD exomes below 0.00001.
gnomAD v4.1: 1 of 1,612,012 alleles (0.000062%); highest among the groups gnomAD compares: Non-Finnish European, 0.000085%; no homozygotes.

Submissions (2):

Ambry Genetics
Classification: Likely benign for Hereditary cancer-predisposing syndrome. Last evaluated: 2024-05-11. Review status: criteria provided, single submitter. Criteria: Ambry Variant Classification Scheme 2023. Collection method: clinical testing. Allele origin: germline.

Labcorp Genetics (formerly Invitae), Labcorp
Classification: Uncertain significance for Tumor predisposition syndrome 3. Last evaluated: 2022-05-24. Review status: criteria provided, single submitter. Criteria: Invitae Variant Classification Sherloc (09022015). Collection method: clinical testing. Allele origin: germline.
Comment: In summary, the available evidence is currently insufficient to determine the role of this variant in disease. Therefore, it has been classified as a Variant of Uncertain Significance. Algorithms developed to predict the effect of missense changes on protein structure and function output the following: SIFT: "Tolerated"; PolyPhen-2: "Benign"; Align-GVGD: "Class C0". The alanine amino acid residue is found in multiple mammalian species, which suggests that this missense change does not adversely affect protein function. This variant has not been reported in the literature in individuals affected with POT1-related conditions. This variant is not present in population databases (gnomAD no frequency). This sequence change replaces threonine, which is neutral and polar, with alanine, which is neutral and non-polar, at codon 93 of the POT1 protein (p.Thr93Ala).